The following is an entry in ClinVar:

NM_033629.6(TREX1):c.388G>C (p.Asp130His)

Genes: ATRIP (ATR interacting protein; plus strand), ATRIP-TREX1 (ATRIP-TREX1 readthrough; plus strand), TREX1 (three prime repair exonuclease 1; plus strand). Cytogenetic location: 3p21.31.
Variant type: single nucleotide variant.
Coding change: c.388G>C on transcript NM_033629.6 (MANE Select); coding-DNA position 388, G replaced by C.
Protein change: p.Asp130His; replaces aspartic acid 130 with histidine.
Molecular consequence: missense variant. On other transcripts: non-coding transcript variant (1), 3 prime UTR variant (4).
Genome position (GRCh38, 1-based): chr3:48,467,043, G>C. VCF-style: chr3-48467043-G-C. GRCh37 (hg19) VCF-style: chr3-48508442-G-C.
Other names: c.358G>C, p.Asp120His (NM_007248.5); c.*1489G>C (NM_001271022.2, NM_001271023.2, NM_032166.4 and 1 more transcripts); short protein forms D130H, D120H.
Identifiers: ClinVar variation 451027 (VCV000451027.2), dbSNP rs781051771, ClinGen allele CA352618007.
Genomic context (GRCh38, chr3:48,467,043, plus strand): 5'-GCCTTCCTGCGGCGCCAGCCACAGCCCTGGTGCCTGGTGGCACACAATGGTGACCGCTAC[G>C]ACTTCCCCCTGCTCCAAGCAGAGCTGGCTATGCTGGGCCTCACCAGTGCTCTGGATGGTG-3'
Protein context (NP_338599.1, residues 120-140): CLVAHNGDRY[Asp130His]FPLLQAELAM

ClinVar aggregate classification (germline): Likely pathogenic (1 of 4 stars; one submission).

Submission:

GeneDx
Classification: Likely pathogenic. Last evaluated: 2018-11-30. Review status: criteria provided, single submitter. Criteria: GeneDx Variant Classification (06012015). Collection method: clinical testing. Allele origin: germline. Affected: yes.
Comment: The D130H variant in the TREX1 gene has not been reported previously as a pathogenic variant, nor as a benign variant, to our knowledge. The D130H variant is not observed in large population cohorts (Lek et al., 2016; 1000 Genomes Consortium et al., 2015; Exome Variant Server). The D130H variant is a non-conservative amino acid substitution, which is likely to impact secondary protein structure as these residues differ in polarity, charge, size and/or other properties. This substitution occurs at a position that is conserved across species, and in silico analysis predicts this variant is probably damaging to the protein structure/function. Missense variants in nearby residues (R128H, P132A) and at the same residue (D130N) have been reported in the Human Gene Mutation Database in association with TREX1-related disorders (Stenson et al., 2014), supporting the functional importance of this region of the protein. We interpret D130H as a likely pathogenic variant.